The following is an entry in ClinVar:

ClinVar aggregate classification (germline): Uncertain significance (1 of 4 stars; one submission).

Allele frequency attached by ClinVar (database versions not stated): gnomAD exomes below 0.00001.
gnomAD v4.1: 1 of 1,614,180 alleles (0.000062%); highest among the groups gnomAD compares: Non-Finnish European, 0.000085%; no homozygotes.

Submission:

Labcorp Genetics (formerly Invitae), Labcorp
Classification: Uncertain significance. Last evaluated: 2022-11-23. Review status: criteria provided, single submitter. Criteria: Invitae Variant Classification Sherloc (09022015). Collection method: clinical testing. Allele origin: germline.
Comment: In summary, the available evidence is currently insufficient to determine the role of this variant in disease. Therefore, it has been classified as a Variant of Uncertain Significance. Advanced modeling of protein sequence and biophysical properties (such as structural, functional, and spatial information, amino acid conservation, physicochemical variation, residue mobility, and thermodynamic stability) performed at Invitae indicates that this missense variant is expected to disrupt GSN protein function. This variant has not been reported in the literature in individuals affected with GSN-related conditions. This variant is not present in population databases (gnomAD no frequency). This sequence change replaces leucine, which is neutral and non-polar, with proline, which is neutral and non-polar, at codon 280 of the GSN protein (p.Leu280Pro).

NM_198252.3(GSN):c.686T>C (p.Leu229Pro)

Gene: GSN (gelsolin; plus strand). Cytogenetic location: 9q33.2.
Variant type: single nucleotide variant.
Coding change: c.686T>C on transcript NM_198252.3 (MANE Select); coding-DNA position 686, T replaced by C.
Protein change: p.Leu229Pro; replaces leucine 229 with proline.
Molecular consequence: missense variant.
Genome position (GRCh38, 1-based): chr9:121,313,956, T>C. VCF-style: chr9-121313956-T-C. GRCh37 (hg19) VCF-style: chr9-124076234-T-C.
Other names: c.686T>C, p.Leu229Pro (NM_001353056.2, NM_001353057.2, NM_001353058.2 and 10 more transcripts); c.719T>C, p.Leu240Pro (NM_001353063.2, NM_001353064.2, NM_001353075.1 and 13 more transcripts); c.758T>C, p.Leu253Pro (NM_001353076.2); c.32T>C, p.Leu11Pro (NM_001353078.2); c.794T>C, p.Leu265Pro (NM_001127663.2); c.737T>C, p.Leu246Pro (NM_001258029.2); c.710T>C, p.Leu237Pro (NM_001258030.2); c.839T>C, p.Leu280Pro (NM_000177.5); short protein forms L229P, L246P, L280P, L240P, L265P, L237P, L253P, L11P.
Identifiers: ClinVar variation 2961733 (VCV002961733.3), dbSNP rs2540843794, ClinGen allele CA374742511.
Genomic context (GRCh38, chr9:121,313,956, plus strand): 5'-ACAGCCACCCTTCCTCTCCATCTCTCTATCTCCTACAGGTGCTGGGCCCCAAGCCGGCTC[T>C]GCCTGCAGGTACCGAGGACACCGCCAAGGAGGATGCGGCCAACCGCAAGCTGGCCAAGCT-3'
Protein context (NP_937895.1, residues 219-239): MLQVLGPKPA[Leu229Pro]PAGTEDTAKE